The following is an entry in ClinVar:

NM_003128.3(SPTBN1):c.2998G>A (p.Gly1000Ser)

Gene: SPTBN1 (spectrin beta, non-erythrocytic 1; plus strand). Cytogenetic location: 2p16.2.
Variant type: single nucleotide variant.
Coding change: c.2998G>A on transcript NM_003128.3 (MANE Select); coding-DNA position 2998, G replaced by A.
Protein change: p.Gly1000Ser; replaces glycine 1000 with serine.
Molecular consequence: missense variant.
Genome position (GRCh38, 1-based): chr2:54,631,045, G>A. VCF-style: chr2-54631045-G-A. GRCh37 (hg19) VCF-style: chr2-54858182-G-A.
Other names: c.2959G>A, p.Gly987Ser (NM_178313.3); short protein forms G1000S, G987S.
Identifiers: ClinVar variation 3384707 (VCV003384707.3).

ClinVar aggregate classification (germline): Uncertain significance. Review status: criteria provided, multiple submitters, no conflicts (2 of 4 stars). 2 submissions from 2 submitters: Uncertain significance (2). Last evaluated 2026-01-22.

gnomAD v4.1: 3 of 1,613,814 alleles (0.00019%); highest among the groups gnomAD compares: Non-Finnish European, 0.00025%; no homozygotes.

Submissions (2):

Dasa
Classification: Uncertain significance. Last evaluated: 2026-01-22. Review status: criteria provided, single submitter. Criteria: DASA Assertion Criteria. Collection method: clinical testing. Allele origin: germline.
Comment: NM_003128.3(SPTBN1):c.2998G>A (p.Gly1000Ser) is a missense variant that results in the substitution of glycine with serine. This variant is rare in population databases. The currently available literature and clinical evidence are not sufficient to establish a definitive association between this variant and the reported condition. Therefore, this variant is classified as a variant of uncertain significance.

Women's Health and Genetics/Laboratory Corporation of America, LabCorp
Classification: Uncertain significance. Last evaluated: 2024-10-30. Review status: criteria provided, single submitter. Criteria: LabCorp Variant Classification Summary - May 2015. Collection method: clinical testing. Allele origin: germline.
Comment: Variant summary: SPTBN1 c.2998G>A (p.Gly1000Ser) results in a non-conservative amino acid change in the encoded protein sequence. Three of five in-silico tools predict a damaging effect of the variant on protein function. The variant was absent in 250978 control chromosomes. The available data on variant occurrences in the general population are insufficient to allow any conclusion about variant significance. To our knowledge, no occurrence of c.2998G>A in individuals affected with Developmental Delay, Impaired Speech, And Behavioral Abnormalities and no experimental evidence demonstrating its impact on protein function have been reported. No submitters have cited clinical-significance assessments for this variant to ClinVar. Based on the evidence outlined above, the variant was classified as uncertain significance.